The following is an entry in ClinVar:

NM_025132.4(WDR19):c.1262T>G (p.Leu421Trp)

Gene: WDR19 (WD repeat domain 19; plus strand). Cytogenetic location: 4p14.
Variant type: single nucleotide variant.
Coding change: c.1262T>G on transcript NM_025132.4 (MANE Select); coding-DNA position 1262, T replaced by G.
Protein change: p.Leu421Trp; replaces leucine 421 with tryptophan.
Molecular consequence: missense variant.
Genome position (GRCh38, 1-based): chr4:39,217,146, T>G. VCF-style: chr4-39217146-T-G. GRCh37 (hg19) VCF-style: chr4-39218766-T-G.
Other names: c.782T>G, p.Leu261Trp (NM_001317924.2); short protein forms L261W, L421W.
Identifiers: ClinVar variation 2115954 (VCV002115954.4), dbSNP rs2475133141, ClinGen allele CA356630667.

ClinVar aggregate classification (germline): Uncertain significance (1 of 4 stars; one submission).

Conditions:
Asphyxiating thoracic dystrophy 5 (SRTD5). Also called: SHORT-RIB THORACIC DYSPLASIA 5 WITH OR WITHOUT POLYDACTYLY; SHORT-RIB THORACIC DYSPLASIA 5 WITHOUT POLYDACTYLY. Identifiers: Orphanet 474, MedGen C3280598, MONDO:0013717, OMIM 614376.
Senior-Loken syndrome 8 (SLSN8). Identifiers: Orphanet 3156, MedGen C4225376, MONDO:0014579, OMIM 616307.

Submission:

Labcorp Genetics (formerly Invitae), Labcorp
Classification: Uncertain significance for Senior-Loken syndrome 8; Asphyxiating thoracic dystrophy 5. Last evaluated: 2022-03-23. Review status: criteria provided, single submitter. Criteria: Invitae Variant Classification Sherloc (09022015). Collection method: clinical testing. Allele origin: germline.
Comment: This sequence change replaces leucine, which is neutral and non-polar, with tryptophan, which is neutral and slightly polar, at codon 421 of the WDR19 protein (p.Leu421Trp). In summary, the available evidence is currently insufficient to determine the role of this variant in disease. Therefore, it has been classified as a Variant of Uncertain Significance. Algorithms developed to predict the effect of missense changes on protein structure and function (SIFT, PolyPhen-2, Align-GVGD) all suggest that this variant is likely to be disruptive. This variant has not been reported in the literature in individuals affected with WDR19-related conditions. This variant is not present in population databases (gnomAD no frequency).